The following is an entry in ClinVar:

ClinVar aggregate classification (germline): Uncertain significance (1 of 4 stars; one submission).

Submission:

Labcorp Genetics (formerly Invitae), Labcorp
Classification: Uncertain significance. Last evaluated: 2021-12-03. Review status: criteria provided, single submitter. Criteria: Invitae Variant Classification Sherloc (09022015). Collection method: clinical testing. Allele origin: germline.
Comment: This variant has not been reported in the literature in individuals affected with LRPPRC-related conditions. This sequence change replaces isoleucine, which is neutral and non-polar, with threonine, which is neutral and polar, at codon 626 of the LRPPRC protein (p.Ile626Thr). This variant is not present in population databases (gnomAD no frequency). Advanced modeling of protein sequence and biophysical properties (such as structural, functional, and spatial information, amino acid conservation, physicochemical variation, residue mobility, and thermodynamic stability) performed at Invitae indicates that this missense variant is expected to disrupt LRPPRC protein function. In summary, the available evidence is currently insufficient to determine the role of this variant in disease. Therefore, it has been classified as a Variant of Uncertain Significance.

NM_133259.4(LRPPRC):c.1877T>C (p.Ile626Thr)

Gene: LRPPRC (leucine rich pentatricopeptide repeat containing; minus strand). Cytogenetic location: 2p21.
Variant type: single nucleotide variant.
Coding change: c.1877T>C on transcript NM_133259.4 (MANE Select); coding-DNA position 1877, T replaced by C.
Protein change: p.Ile626Thr; replaces isoleucine 626 with threonine.
Molecular consequence: missense variant.
Genome position (GRCh38, 1-based): chr2:43,948,165, A>G on the plus strand (T>C on the coding strand, the complement: LRPPRC is on the minus strand). VCF-style: chr2-43948165-A-G. GRCh37 (hg19) VCF-style: chr2-44175304-A-G.
Other names: short protein forms I626T.
Identifiers: ClinVar variation 1491684 (VCV001491684.6), dbSNP rs759496540, ClinGen allele CA346676111.